The following is an entry in ClinVar:

ClinVar aggregate classification (germline): Uncertain significance (1 of 4 stars; one submission).

Conditions:
PLXNA3-related disorder. Also called: PLXNA3-related condition.

Submission:

PreventionGenetics, part of Exact Sciences
Classification: Uncertain significance for PLXNA3-related condition. Last evaluated: 2026-08-09. Review status: criteria provided, single submitter. Criteria: ACMG Guidelines, 2015. Collection method: clinical testing. Allele origin: germline.
Comment: The PLXNA3 c.1143G>C variant is predicted to result in the amino acid substitution p.Gln381His. This variant was reported in an individual with a neurodevelopmental disorder (Steele et al. 2022. PubMed ID: 34740135). This variant is reported in 0.031% of alleles in individuals of East Asian descent in gnomAD. At this time, the clinical significance of this variant is uncertain due to the absence of conclusive functional and genetic evidence.

NM_017514.5(PLXNA3):c.1143G>C (p.Gln381His)

Gene: PLXNA3 (plexin A3; plus strand). Cytogenetic location: Xq28.
Variant type: single nucleotide variant.
Coding change: c.1143G>C on transcript NM_017514.5 (MANE Select); coding-DNA position 1143, G replaced by C.
Protein change: p.Gln381His; replaces glutamine 381 with histidine.
Molecular consequence: missense variant.
Genome position (GRCh38, 1-based): chrX:154,462,136, G>C. VCF-style: chrX-154462136-G-C. GRCh37 (hg19) VCF-style: chrX-153690476-G-C.
Other names: short protein forms Q381H.
Identifiers: ClinVar variation 4990136 (VCV004990136.1).